The following is an entry in ClinVar:

ClinVar aggregate classification (germline): Uncertain significance (1 of 4 stars; one submission).

Submission:

GeneDx
Classification: Uncertain significance. Last evaluated: 2024-05-08. Review status: criteria provided, single submitter. Criteria: GeneDx Variant Classification Process June 2021. Collection method: clinical testing. Allele origin: germline. Affected: yes.
Comment: Not observed at significant frequency in large population cohorts (gnomAD); In silico analysis supports that this missense variant has a deleterious effect on protein structure/function; Has not been previously published as pathogenic or benign to our knowledge

NM_000053.4(ATP7B):c.4060A>T (p.Met1354Leu)

Gene: ATP7B (ATPase copper transporting beta; minus strand). Cytogenetic location: 13q14.3.
Variant type: single nucleotide variant.
Coding change: c.4060A>T on transcript NM_000053.4 (MANE Select); coding-DNA position 4060, A replaced by T.
Protein change: p.Met1354Leu; replaces methionine 1354 with leucine.
Molecular consequence: missense variant.
Genome position (GRCh38, 1-based): chr13:51,935,657, T>A on the plus strand (A>T on the coding strand, the complement: ATP7B is on the minus strand). VCF-style: chr13-51935657-T-A. GRCh37 (hg19) VCF-style: chr13-52509793-T-A.
Other names: c.3439A>T, p.Met1147Leu (NM_001005918.3); c.3727A>T, p.Met1243Leu (NM_001243182.2); c.3826A>T, p.Met1276Leu (NM_001330578.2, NM_001406527.1, NM_001406528.1); c.3808A>T, p.Met1270Leu (NM_001330579.2, NM_001406531.1, NM_001406532.1); c.4060A>T, p.Met1354Leu (NM_001406511.1, NM_001406512.1); c.4054A>T, p.Met1352Leu (NM_001406513.1); c.4027A>T, p.Met1343Leu (NM_001406514.1); c.4006A>T, p.Met1336Leu (NM_001406515.1, NM_001406516.1); and 21 more; short protein forms M1073L, M1127L, M1138L, M1147L, M1160L, M1190L, M1192L, M1205L.
Identifiers: ClinVar variation 3375596 (VCV003375596.1).